The following is an entry in ClinVar:

NM_002734.5(PRKAR1A):c.715A>G (p.Thr239Ala)

Gene: PRKAR1A (protein kinase cAMP-dependent type I regulatory subunit alpha; plus strand). Cytogenetic location: 17q24.2.
Variant type: single nucleotide variant.
Coding change: c.715A>G on transcript NM_002734.5 (MANE Select); coding-DNA position 715, A replaced by G.
Protein change: p.Thr239Ala; replaces threonine 239 with alanine.
Molecular consequence: missense variant.
Genome position (GRCh38, 1-based): chr17:68,527,846, A>G. VCF-style: chr17-68527846-A-G. GRCh37 (hg19) VCF-style: chr17-66523987-A-G.
Other names: c.715A>G, p.Thr239Ala (NM_001276289.2, NM_001276290.1, NM_001278433.2 and 4 more transcripts); short protein forms T239A.
Identifiers: ClinVar variation 2736638 (VCV002736638.3), dbSNP rs2509430749, ClinGen allele CA400753430.

ClinVar aggregate classification (germline): Pathogenic (1 of 4 stars; one submission).

Conditions:
Carney complex, type 1 (CNC1). Also called: CARNEY COMPLEX, TYPE I; CARNEY MYXOMA-ENDOCRINE COMPLEX. Identifiers: Orphanet 1359, MedGen C2607929, MONDO:0008057, OMIM 160980.

Submission:

Labcorp Genetics (formerly Invitae), Labcorp
Classification: Pathogenic for Carney complex, type 1. Last evaluated: 2025-06-05. Review status: criteria provided, single submitter. Criteria: Invitae Variant Classification Sherloc (09022015). Collection method: clinical testing. Allele origin: germline.
Comment: This sequence change replaces threonine, which is neutral and polar, with alanine, which is neutral and non-polar, at codon 239 of the PRKAR1A protein (p.Thr239Ala). This variant is not present in population databases (gnomAD no frequency). This missense change has been observed in individual(s) with acrodysostosis (PMID: 22723333). In at least one individual the variant was observed to be de novo. ClinVar contains an entry for this variant (Variation ID: 2736638). Invitae Evidence Modeling of protein sequence and biophysical properties (such as structural, functional, and spatial information, amino acid conservation, physicochemical variation, residue mobility, and thermodynamic stability) has been performed for this missense variant. However, the output from this modeling did not meet the statistical confidence thresholds required to predict the impact of this variant on PRKAR1A protein function. Experimental studies have shown that this missense change affects PRKAR1A function (PMID: 22723333). For these reasons, this variant has been classified as Pathogenic.

Literature cited by the submitters: PubMed 22723333.